The following is an entry in ClinVar:

NM_201384.3(PLEC):c.4094T>C (p.Val1365Ala)

Gene: PLEC (plectin; minus strand). Cytogenetic location: 8q24.3.
Variant type: single nucleotide variant.
Coding change: c.4094T>C on transcript NM_201384.3 (MANE Select); coding-DNA position 4094, T replaced by C.
Protein change: p.Val1365Ala; replaces valine 1365 with alanine.
Molecular consequence: missense variant.
Genome position (GRCh38, 1-based): chr8:143,925,835, A>G on the plus strand (T>C on the coding strand, the complement: PLEC is on the minus strand). VCF-style: chr8-143925835-A-G. GRCh37 (hg19) VCF-style: chr8-145000003-A-G.
Other names: c.4175T>C, p.Val1392Ala (NM_000445.5); c.4052T>C, p.Val1351Ala (NM_201378.4); c.4028T>C, p.Val1343Ala (NM_201379.3); c.4505T>C, p.Val1502Ala (NM_201380.4); c.3998T>C, p.Val1333Ala (NM_201381.3); c.4094T>C, p.Val1365Ala (NM_201382.4); c.4106T>C, p.Val1369Ala (NM_201383.3); short protein forms V1333A, V1392A, V1365A, V1343A, V1351A, V1369A, V1502A.
Identifiers: ClinVar variation 2063624 (VCV002063624.4), dbSNP rs782778125, ClinGen allele CA4926770.

ClinVar aggregate classification (germline): Uncertain significance (1 of 4 stars; one submission).

Conditions:
Epidermolysis bullosa simplex 5B, with muscular dystrophy (EBS5B). Also called: EPIDERMOLYSIS BULLOSA SIMPLEX AND LIMB-GIRDLE MUSCULAR DYSTROPHY; Epidermolysis bullosa simplex with muscular dystrophy. Identifiers: Orphanet 257, MedGen C2931072, MONDO:0009181, OMIM 226670.
Epidermolysis bullosa simplex 5C, with pyloric atresia (EBS5C). Also called: Epidermolysis bullosa simplex with pyloric atresia; PLEC-Related Epidermolysis Bullosa with Pyloric Atresia; PLEC1-Related Epidermolysis Bullosa with Pyloric Atresia. Identifiers: Orphanet 158684, MedGen C2677349, MONDO:0012807, OMIM 612138.
Epidermolysis bullosa simplex with nail dystrophy (EBS5D). Identifiers: MedGen C4225309, MONDO:0014661, OMIM 616487.
Autosomal recessive limb-girdle muscular dystrophy type 2Q (LGMDR17). Also called: MUSCULAR DYSTROPHY, LIMB-GIRDLE, AUTOSOMAL RECESSIVE 17. Identifiers: Orphanet 254361, MedGen C3150989, MONDO:0013390, OMIM 613723.
Epidermolysis bullosa simplex, Ogna type (EBS5A). Also called: Pidermolysis bullosa simplex 5A, Ogna type; EPIDERMOLYSIS BULLOSA SIMPLEX 5A, OGNA TYPE. Identifiers: Orphanet 79401, MedGen C0432317, MONDO:0007555, OMIM 131950.

Allele frequency attached by ClinVar (database versions not stated): gnomAD exomes below 0.00001; gnomAD 0.00002; ExAC 0.00005; TOPMed 0.00005.
gnomAD v4.1: 5 of 1,552,298 alleles (0.00032%); highest among the groups gnomAD compares: African/African-American, 0.0068%; no homozygotes.

Submission:

Labcorp Genetics (formerly Invitae), Labcorp
Classification: Uncertain significance for Autosomal recessive limb-girdle muscular dystrophy type 2Q; Epidermolysis bullosa simplex, Ogna type; Epidermolysis bullosa simplex with nail dystrophy; Epidermolysis bullosa simplex 5C, with pyloric atresia; Epidermolysis bullosa simplex 5B, with muscular dystrophy. Last evaluated: 2025-02-17. Review status: criteria provided, single submitter. Criteria: Invitae Variant Classification Sherloc (09022015). Collection method: clinical testing. Allele origin: germline.
Comment: This sequence change replaces valine, which is neutral and non-polar, with alanine, which is neutral and non-polar, at codon 1392 of the PLEC protein (p.Val1392Ala). This variant is present in population databases (rs782778125, gnomAD 0.01%). This variant has not been reported in the literature in individuals affected with PLEC-related conditions. ClinVar contains an entry for this variant (Variation ID: 2063624). Invitae Evidence Modeling of protein sequence and biophysical properties (such as structural, functional, and spatial information, amino acid conservation, physicochemical variation, residue mobility, and thermodynamic stability) has been performed for this missense variant. However, the output from this modeling did not meet the statistical confidence thresholds required to predict the impact of this variant on PLEC protein function. In summary, the available evidence is currently insufficient to determine the role of this variant in disease. Therefore, it has been classified as a Variant of Uncertain Significance.